The following is an entry in ClinVar:

NM_005085.4(NUP214):c.5472del (p.Ala1825fs)

Gene: NUP214 (nucleoporin 214; plus strand). Cytogenetic location: 9q34.13.
Variant type: Deletion.
Coding change: c.5472del on transcript NM_005085.4 (MANE Select); coding-DNA position 5472, one base deleted (T; older notation c.5472delT).
Protein change: p.Ala1825fs; shifts the reading frame from alanine 1825.
Molecular consequence: frameshift variant.
Genome position (GRCh38, 1-based): chr9:131,198,966, T deleted. VCF-style (leftmost placement, unchanged base first): chr9-131198965-CT-C. GRCh37 (hg19) VCF-style: chr9-134074352-CT-C.
Other names: c.5442del, p.Ala1815fs (NM_001318324.2); c.1950del, p.Ala651fs (NM_001318325.2); short protein forms A1815fs, A1825fs, A651fs.
Identifiers: ClinVar variation 4075505 (VCV004075505.1).
Genomic context (GRCh38, chr9:131,198,965, plus strand): 5'-CTGCTTTTGGGCAGAGTCCTGGCTTTGGACAGGGAGGCTCTGTCTTTGGTGGTACCTCAG[CT>C]GCCACCACAACAGCAGCAACCTCTGGGTTCAGCTTTTGCCAAGCTTCAGGTAAGAATTTG-3'

ClinVar aggregate classification (germline): Likely pathogenic (1 of 4 stars; one submission).

Submission:

GeneDx
Classification: Likely pathogenic. Last evaluated: 2025-02-11. Review status: criteria provided, single submitter. Criteria: GeneDx Variant Classification Process June 2021. Collection method: clinical testing. Allele origin: germline. Affected: yes.
Comment: Frameshift variant predicted to result in protein truncation or nonsense mediated decay in a gene for which loss of function is a known mechanism of disease; Not observed at significant frequency in large population cohorts (gnomAD); Has not been previously published as pathogenic or benign to our knowledge